The following is an entry in ClinVar:

NM_000393.5(COL5A2):c.4253A>C (p.Asn1418Thr)

Gene: COL5A2 (collagen type V alpha 2 chain; minus strand). Cytogenetic location: 2q32.2.
Variant type: single nucleotide variant.
Coding change: c.4253A>C on transcript NM_000393.5 (MANE Select); coding-DNA position 4253, A replaced by C.
Protein change: p.Asn1418Thr; replaces asparagine 1418 with threonine.
Molecular consequence: missense variant.
Genome position (GRCh38, 1-based): chr2:189,035,016, T>G on the plus strand (A>C on the coding strand, the complement: COL5A2 is on the minus strand). VCF-style: chr2-189035016-T-G. GRCh37 (hg19) VCF-style: chr2-189899742-T-G.
Other names: c.4253A>C (NM_000393.3); short protein forms N1418T.
Identifiers: ClinVar variation 4766414 (VCV004766414.2).
Genomic context (GRCh38, chr2:189,035,016, plus strand): 5'-TTTCCCTCTGCTTTGATATCTAAGTCATTTGCCCCTTTGAGAACCACAGCTTTTTTGAGG[T>G]TCTTAGCTTGATCGTCCATGTATCCTACACTGTTTTTACAGATGTAAGTGATGTTCTGGG-3'
Protein context (NP_000384.2, residues 1408-1428): SVGYMDDQAK[Asn1418Thr]LKKAVVLKGA

ClinVar aggregate classification (germline): Uncertain significance. Review status: criteria provided, multiple submitters, no conflicts (2 of 4 stars). 2 submissions from 2 submitters: Uncertain significance (2). Last evaluated 2026-02-17.

Conditions:
Familial thoracic aortic aneurysm and aortic dissection (TAAD). Also called: Thoracic aortic aneurysms and dissections. Identifiers: Orphanet 91387, MedGen C4707243, MONDO:0019625.
Ehlers-Danlos syndrome, classic type, 1 (EDSCL1). Also called: EHLERS-DANLOS SYNDROME, GRAVIS TYPE; EHLERS-DANLOS SYNDROME, SEVERE CLASSIC TYPE; Ehlers-Danlos syndrome, type 1; Ehlers-Danlos Syndrome, Classic Type, COL5A1-Related; EDS I. Identifiers: MedGen C0268335, MONDO:0019567, OMIM 130000.

Submissions (2):

Ambry Genetics
Classification: Uncertain significance for Familial thoracic aortic aneurysm and aortic dissection. Last evaluated: 2026-02-17. Review status: criteria provided, single submitter. Criteria: Ambry Variant Classification Scheme 2023. Collection method: clinical testing. Allele origin: germline.

Labcorp Genetics (formerly Invitae), Labcorp
Classification: Uncertain significance for Ehlers-Danlos syndrome, classic type, 1. Last evaluated: 2025-02-20. Review status: criteria provided, single submitter. Criteria: Invitae Variant Classification Sherloc (09022015). Collection method: clinical testing. Allele origin: germline.
Comment: This sequence change replaces asparagine, which is neutral and polar, with threonine, which is neutral and polar, at codon 1418 of the COL5A2 protein (p.Asn1418Thr). This variant is not present in population databases (gnomAD no frequency). This variant has not been reported in the literature in individuals affected with COL5A2-related conditions. Invitae Evidence Modeling of protein sequence and biophysical properties (such as structural, functional, and spatial information, amino acid conservation, physicochemical variation, residue mobility, and thermodynamic stability) indicates that this missense variant is not expected to disrupt COL5A2 protein function with a negative predictive value of 80%. In summary, the available evidence is currently insufficient to determine the role of this variant in disease. Therefore, it has been classified as a Variant of Uncertain Significance.